The following is an entry in ClinVar:

ClinVar aggregate classification (germline): Uncertain significance (1 of 4 stars; one submission).

gnomAD v4.1: 10 of 1,601,842 alleles (0.00062%); highest among the groups gnomAD compares: Non-Finnish European, 0.00085%; no homozygotes.

Submission:

Labcorp Genetics (formerly Invitae), Labcorp
Classification: Uncertain significance. Last evaluated: 2024-03-21. Review status: criteria provided, single submitter. Criteria: Invitae Variant Classification Sherloc (09022015). Collection method: clinical testing. Allele origin: germline.
Comment: This sequence change replaces arginine, which is basic and polar, with proline, which is neutral and non-polar, at codon 303 of the CARD8 protein (p.Arg303Pro). This variant is present in population databases (rs540915752, gnomAD 0.01%). This variant has not been reported in the literature in individuals affected with CARD8-related conditions. An algorithm developed to predict the effect of missense changes on protein structure and function (PolyPhen-2) suggests that this variant is likely to be disruptive. In summary, the available evidence is currently insufficient to determine the role of this variant in disease. Therefore, it has been classified as a Variant of Uncertain Significance.

NM_001184900.3(CARD8):c.1058G>C (p.Arg353Pro)

Gene: CARD8 (caspase recruitment domain family member 8; minus strand). Cytogenetic location: 19q13.33.
Variant type: single nucleotide variant.
Coding change: c.1058G>C on transcript NM_001184900.3 (MANE Select); coding-DNA position 1058, G replaced by C.
Protein change: p.Arg353Pro; replaces arginine 353 with proline.
Molecular consequence: missense variant. On other transcripts: non-coding transcript variant (3).
Genome position (GRCh38, 1-based): chr19:48,221,833, C>G on the plus strand (G>C on the coding strand, the complement: CARD8 is on the minus strand). VCF-style: chr19-48221833-C-G. GRCh37 (hg19) VCF-style: chr19-48725090-C-G.
Other names: c.908G>C, p.Arg303Pro (NM_001184901.1, NM_001351783.2, NM_001351788.2 and 2 more transcripts); c.1058G>C, p.Arg353Pro (NM_001184902.2, NM_001184903.1, NM_001351782.2); c.743G>C, p.Arg248Pro (NM_001351784.2, NM_001351787.2, NM_001351791.2 and 1 more transcripts); c.722G>C, p.Arg241Pro (NM_001351786.2); c.815G>C, p.Arg272Pro (NM_001351790.2); c.740G>C, p.Arg247Pro (NM_001365950.1); short protein forms R272P, R248P, R241P, R247P, R303P, R353P.
Identifiers: ClinVar variation 3687817 (VCV003687817.2).